The following is an entry in ClinVar:

ClinVar aggregate classification (germline): Uncertain significance (1 of 4 stars; one submission).

Conditions:
Hereditary cancer-predisposing syndrome. Also called: Neoplastic Syndromes, Hereditary; Tumor predisposition; Hereditary neoplastic syndrome; Hereditary Cancer Syndrome. Identifiers: Orphanet 140162, MedGen C0027672, MeSH D009386, MONDO:0015356.

Submission:

Ambry Genetics
Classification: Uncertain significance for Hereditary cancer-predisposing syndrome. Last evaluated: 2026-07-07. Review status: criteria provided, single submitter. Criteria: Ambry Variant Classification Scheme 2023. Collection method: clinical testing. Allele origin: germline.
Comment: The p.I287F variant (also known as c.859A>T), located in coding exon 6 of the FH gene, results from an A to T substitution at nucleotide position 859. The isoleucine at codon 287 is replaced by phenylalanine, an amino acid with highly similar properties. This amino acid position is conserved. In addition, this alteration is predicted to be deleterious by in silico analysis. Based on the available evidence, the clinical significance of this variant remains unclear.

NM_000143.4(FH):c.859A>T (p.Ile287Phe)

Gene: FH (fumarate hydratase; minus strand). Cytogenetic location: 1q43.
Variant type: single nucleotide variant.
Coding change: c.859A>T on transcript NM_000143.4 (MANE Select); coding-DNA position 859, A replaced by T.
Protein change: p.Ile287Phe; replaces isoleucine 287 with phenylalanine.
Molecular consequence: missense variant.
Genome position (GRCh38, 1-based): chr1:241,506,048, T>A on the plus strand (A>T on the coding strand, the complement: FH is on the minus strand). VCF-style: chr1-241506048-T-A. GRCh37 (hg19) VCF-style: chr1-241669348-T-A.
Other names: short protein forms I287F.
Identifiers: ClinVar variation 5021753 (VCV005021753.1).